The following is an entry in ClinVar:

ClinVar aggregate classification (germline): Likely pathogenic (1 of 4 stars; one submission).

Conditions:
Anemia, nonspherocytic hemolytic, due to G6PD deficiency (CNSHA1). Also called: Hemolytic anemia due to G6PD deficiency; Favism, susceptibility to; Class I glucose-6-phosphate dehydrogenase deficiency; ANEMIA, CONGENITAL, NONSPHEROCYTIC HEMOLYTIC, 1. Identifiers: Orphanet 466026, MedGen C2720289, MONDO:0010480, OMIM 300908.

Submission:

Dunham Lab, University of Washington
Classification: Likely pathogenic for Anemia, nonspherocytic hemolytic, due to G6PD deficiency. Last evaluated: 2022-08-12. Review status: criteria provided, single submitter. Criteria: Bayesian ACMG Guidelines, 2018. Collection method: curation. Allele origin: maternal. Affected: yes.
Comment: Decreased activity in red blood cells (8%) (PS3). Both SNVs are below expected carrier frequency in gnomAD (PM2). Post_P 0.975 (odds of pathogenicity 350.3, Prior_P 0.1).

Literature cited by the submitters: PubMed 20949590.

NM_001360016.2(G6PD):c.[1037A>T;637G>T]

Variant type: Haplotype.
Identifiers: ClinVar variation 1722605 (VCV001722605.2).